The following is an entry in ClinVar:

NM_001186.4(BACH1):c.1534A>T (p.Ser512Cys)

Gene: BACH1 (BTB domain and CNC homolog 1; plus strand). Cytogenetic location: 21q21.3.
Variant type: single nucleotide variant.
Coding change: c.1534A>T on transcript NM_001186.4 (MANE Select); coding-DNA position 1534, A replaced by T.
Protein change: p.Ser512Cys; replaces serine 512 with cysteine.
Molecular consequence: missense variant. On other transcripts: non-coding transcript variant (1).
Genome position (GRCh38, 1-based): chr21:29,327,358, A>T. VCF-style: chr21-29327358-A-T. GRCh37 (hg19) VCF-style: chr21-30699679-A-T.
Other names: c.1534A>T (NM_001186.3); c.1534A>T, p.Ser512Cys (NM_206866.3); short protein forms S512C.
Identifiers: ClinVar variation 2461765 (VCV002461765.3), dbSNP rs367693467, ClinGen allele CA9993071.

ClinVar aggregate classification (germline): Conflicting classifications of pathogenicity. Review status: criteria provided, conflicting classifications (1 of 4 stars). 2 submissions from 2 submitters: Uncertain significance (1); Likely benign (1). Last evaluated 2026-02-19.

Conditions:
BACH1-related disorder. Also called: BACH1-related condition.

Allele frequency attached by ClinVar (database versions not stated): gnomAD 0.00006; ESP Exome Variant Server 0.00008; TOPMed 0.00008; ExAC 0.00014.
gnomAD v4.1: 114 of 1,613,936 alleles (0.0071%); highest among the groups gnomAD compares: Middle Eastern, 0.033%; no homozygotes.

Submissions (2):

PreventionGenetics, part of Exact Sciences
Classification: Likely benign for BACH1-related condition. Last evaluated: 2026-02-19. Review status: criteria provided, single submitter. Criteria: ACMG Guidelines, 2015. Collection method: clinical testing. Allele origin: germline.
Comment: This variant is classified as likely benign based on ACMG/AMP sequence variant interpretation guidelines (Richards et al. 2015 PMID: 25741868, with internal and published modifications).

Ambry Genetics
Classification: Uncertain significance. Last evaluated: 2023-01-31. Review status: criteria provided, single submitter. Criteria: Ambry Variant Classification Scheme 2023. Collection method: clinical testing. Allele origin: germline.